The following is an entry in ClinVar:

ClinVar aggregate classification (germline): Pathogenic (1 of 4 stars; one submission).

Conditions:
Recessive dystrophic epidermolysis bullosa (RDEB). Also called: DYSTROPHIC EPIDERMOLYSIS BULLOSA, AUTOSOMAL RECESSIVE; EPIDERMOLYSIS BULLOSA DYSTROPHICA, HALLOPEAU-SIEMENS TYPE; Hallopeau-Siemens Disease; severe generalized recessive dystrophic epidermolysis bullosa; EPIDERMOLYSIS BULLOSA DYSTROPHICA, GENERALIZED SEVERE, AUTOSOMAL RECESSIVE; Epidermolysis Bullosa Distrophica Autosomal Recessive (RDEB). Identifiers: Orphanet 79408, Orphanet 79409, MedGen C0079474, MONDO:0009179, OMIM 226600.

Submission:

Myriad Genetics, Inc.
Classification: Pathogenic for Recessive dystrophic epidermolysis bullosa. Last evaluated: 2024-05-11. Review status: criteria provided, single submitter. Criteria: Myriad Autosomal Dominant, Autosomal Recessive and X-Linked Classification Criteria (2023). Collection method: clinical testing. Allele origin: unknown.
Comment: NM_000094.3(COL7A1):c.4888delC(R1630Efs*80) is expected to be pathogenic in the context of dystrophic epidermolysis bullosa. This variant is predicted to lead to an abnormal or absent protein product due to the creation of a premature termination codon in COL7A1, a gene where loss-of-function variants are known to be pathogenic. Please note: this variant was assessed in the context of healthy population screening.

NM_000094.4(COL7A1):c.4888del (p.Arg1630fs)

Gene: COL7A1 (collagen type VII alpha 1 chain; minus strand). Cytogenetic location: 3p21.31.
Variant type: Deletion.
Coding change: c.4888del on transcript NM_000094.4 (MANE Select); coding-DNA position 4888, one base deleted (C; older notation c.4888delC).
Protein change: p.Arg1630fs; shifts the reading frame from arginine 1630.
Molecular consequence: frameshift variant.
Genome position (GRCh38, 1-based): chr3:48,581,271, G deleted on the plus strand (C on the coding strand, the reverse complement: COL7A1 is on the minus strand); the first of 5 consecutive G bases (chr3:48,581,271-48,581,275); deleting any one gives the same sequence. VCF-style (leftmost placement, unchanged base first): chr3-48581270-CG-C. GRCh37 (hg19) VCF-style: chr3-48618703-CG-C.
Other names: short protein forms R1630fs.
Identifiers: ClinVar variation 5013031 (VCV005013031.1).